The following is an entry in ClinVar:

NM_002693.3(POLG):c.3317T>C (p.Val1106Ala)

Gene: POLG (DNA polymerase gamma, catalytic subunit; minus strand). Cytogenetic location: 15q26.1.
Variant type: single nucleotide variant.
Coding change: c.3317T>C on transcript NM_002693.3 (MANE Select); coding-DNA position 3317, T replaced by C.
Protein change: p.Val1106Ala; replaces valine 1106 with alanine.
Molecular consequence: missense variant.
Genome position (GRCh38, 1-based): chr15:89,318,706, A>G on the plus strand (T>C on the coding strand, the complement: POLG is on the minus strand). VCF-style: chr15-89318706-A-G. GRCh37 (hg19) VCF-style: chr15-89861937-A-G.
Other names: c.3317T>C, p.Val1106Ala (NM_001126131.2); short protein forms V1106A.
Identifiers: ClinVar variation 522129 (VCV000522129.11), dbSNP rs1354582663, ClinGen allele CA393750042.
Genomic context (GRCh38, chr15:89,318,706, plus strand): 5'-TCTATGGCAAACTCTTCAAACAGCCACTTCATGGCCACAAGCATGAGGTGTAAGTAGTCA[A>G]CAGCAGAGCTCTGTACCACCCAATTCACACGGCTGGTCATAAACTGGGAAGGGAAGGTGG-3'
Protein context (NP_002684.1, residues 1096-1116): RVNWVVQSSA[Val1106Ala]DYLHLMLVAM

ClinVar aggregate classification (germline): Likely pathogenic. Review status: criteria provided, multiple submitters, no conflicts (2 of 4 stars). 6 submissions from 5 submitters: Likely pathogenic (5). 1 of the submissions does not count toward it. Last evaluated 2024-05-20.

Conditions:
Mitochondrial DNA depletion syndrome. Also called: mitochondrial DNA depletion. Identifiers: Orphanet 35698, MedGen C0342782, MONDO:0018158.
Inborn genetic diseases. Identifiers: MedGen C0950123, MeSH D030342.
Mitochondrial DNA depletion syndrome 1. Also called: Mitochondrial DNA Depletion Syndrome, MNGIE Form; Mitochondrial neurogastrointestinal encephalomyopathy syndrome; Mitochondrial DNA depletion syndrome 1 (MNGIE type); POLIP SYNDROME; POLYNEUROPATHY, OPHTHALMOPLEGIA, LEUKOENCEPHALOPATHY, AND INTESTINAL PSEUDOOBSTRUCTION; Mitochondrial Neurogastrointestinal Encephalopathy Disease. Identifiers: Orphanet 298, MedGen C4551995, MONDO:0011283, OMIM 603041.
Sensory ataxic neuropathy, dysarthria, and ophthalmoparesis (SANDO). Also called: SENSORY ATAXIC NEUROPATHY WITH MITOCHONDRIAL DNA DELETIONS, AUTOSOMAL RECESSIVE; Ataxia Neuropathy Spectrum (ANS); Sensory ataxic neuropathy-dysarthria-ophthalmoparesis syndrome; Epilepsy, progressive myoclonic, type 5. Identifiers: Orphanet 70595, MedGen C1843851, MONDO:0011835, OMIM 607459.
Progressive external ophthalmoplegia with mitochondrial DNA deletions, autosomal recessive 1 (PEOB1). Also called: Progressive external ophthalmoplegia, autosomal recessive 1; Autosomal Recessive Progressive External Ophthalmoplegia (arPEO). Identifiers: Orphanet 254886, MedGen C4225153, MONDO:0009783, OMIM 258450.
Progressive external ophthalmoplegia with mitochondrial DNA deletions, autosomal dominant 1 (PEOA1). Also called: Autosomal Dominant Progressive External Ophthalmoplegia (adPEO); PROGRESSIVE EXTERNAL OPHTHALMOPLEGIA, AUTOSOMAL DOMINANT 1. Identifiers: MedGen C1834846, MONDO:0024528, OMIM 157640.
Progressive sclerosing poliodystrophy (MTDPS4A). Also called: Alpers-Huttenlocher Syndrome (AHS); ALPERS PROGRESSIVE INFANTILE POLIODYSTROPHY; Mitochondrial DNA Depletion Syndrome 4A; Mitochondrial DNA depletion syndrome 4A (Alpers type); NEURONAL DEGENERATION OF CHILDHOOD WITH LIVER DISEASE, PROGRESSIVE; Alpers Syndrome. Identifiers: Orphanet 726, MedGen C0205710, MONDO:0008758, OMIM 203700.
Mitochondrial DNA depletion syndrome 4b. Also called: Mitochondrial Neurogastrointestinal Encephalopathy Disease, POLG-Related; MNGIE, POLG-RELATED. Identifiers: Orphanet 298, MedGen C3150914, MONDO:0013350, OMIM 613662.

Allele frequency attached by ClinVar (database versions not stated): gnomAD exomes below 0.00001; gnomAD 0.00001.

Submissions (6):

Fulgent Genetics
Classification: Likely pathogenic for Progressive external ophthalmoplegia with mitochondrial DNA deletions, autosomal dominant 1; Progressive sclerosing poliodystrophy; Progressive external ophthalmoplegia with mitochondrial DNA deletions, autosomal recessive 1; Sensory ataxic neuropathy, dysarthria, and ophthalmoparesis; Mitochondrial DNA depletion syndrome 4b. Last evaluated: 2024-05-20. Review status: criteria provided, single submitter. Criteria: ACMG Guidelines, 2015. Collection method: clinical testing. Allele origin: germline.

Women's Health and Genetics/Laboratory Corporation of America, LabCorp
Classification: Likely pathogenic for Mitochondrial DNA depletion syndrome. Last evaluated: 2024-05-06. Review status: criteria provided, single submitter. Criteria: LabCorp Variant Classification Summary - May 2015. Collection method: clinical testing. Allele origin: germline.
Comment: Variant summary: POLG c.3317T>C (p.Val1106Ala) results in a non-conservative amino acid change located in the DNA-directed DNA polymerase, family A, palm domain (IPR001098) of the encoded protein sequence. Four of five in-silico tools predict a damaging effect of the variant on protein function. The variant allele was found at a frequency of 1.2e-06 in 1614112 control chromosomes. c.3317T>C has been reported in the literature in compound heterozyous or homozygous individuals affected with Mitochondrial DNA Depletion Syndrome - POLG Related (Deepha_2021, Kaliszewska_2015). These data indicate that the variant is likely to be associated with disease. At least one publication reports experimental evidence evaluating an impact on protein function. The most pronounced variant effect results in a reduction in mitochondrial genome stability in a yeast model (Kaliszewska_2015). The following publications have been ascertained in the context of this evaluation (PMID: 33469851, 26077851). ClinVar contains an entry for this variant (Variation ID: 522129). Based on the evidence outlined above, the variant was classified as likely pathogenic.

Labcorp Genetics (formerly Invitae), Labcorp
Classification: Likely pathogenic for Progressive sclerosing poliodystrophy. Last evaluated: 2023-07-03. Review status: criteria provided, single submitter. Criteria: Invitae Variant Classification Sherloc (09022015). Collection method: clinical testing. Allele origin: germline.
Comment: This variant is present in population databases (no rsID available, gnomAD 0.1%). This sequence change replaces valine, which is neutral and non-polar, with alanine, which is neutral and non-polar, at codon 1106 of the POLG protein (p.Val1106Ala). This missense change has been observed in individual(s) with POLG-related conditions (PMID: 26077851, 33469851). In at least one individual the data is consistent with being in trans (on the opposite chromosome) from a pathogenic variant. ClinVar contains an entry for this variant (Variation ID: 522129). Advanced modeling of protein sequence and biophysical properties (such as structural, functional, and spatial information, amino acid conservation, physicochemical variation, residue mobility, and thermodynamic stability) performed at Invitae indicates that this missense variant is expected to disrupt POLG protein function. Experimental studies have shown that this missense change affects POLG function (PMID: 26077851). This variant disrupts the p.Val1106 amino acid residue in POLG. Other variant(s) that disrupt this residue have been observed in individuals with POLG-related conditions (PMID: 15349879), which suggests that this may be a clinically significant amino acid residue. In summary, the currently available evidence indicates that the variant is pathogenic, but additional data are needed to prove that conclusively. Therefore, this variant has been classified as Likely Pathogenic.

Ambry Genetics
Classification: Likely pathogenic for Inborn genetic diseases. Last evaluated: 2017-11-02. Review status: criteria provided, single submitter. Criteria: Ambry exome assertion method (8-5-2015). Collection method: clinical testing. Allele origin: germline. Affected: yes. Observed: 1 variant allele.

Neuberg Centre For Genomic Medicine, NCGM
Classification: Likely pathogenic for Mitochondrial DNA depletion syndrome 4b. Review status: criteria provided, single submitter. Criteria: ACMG Guidelines, 2015. Collection method: clinical testing. Allele origin: germline. Inheritance: Autosomal recessive inheritance. Affected: yes.
Comment: The missense c.3317T>C p.Val1106Ala variant in the POLG gene has been reported previously in compound heterozygous state in patients affected with mitochondrial disease. Functional studies done in yeast model shows the variant effects mRNA stability Deepha S, et al., 2021; Kaliszewska M, et al., 2015. Evidence on the variant being pathogenic in homozygous state is not available. This variant is located in a mutational hot spot. A different missesne variant p.Val1106Ile has been reported in patients with POLG-related mitochondrial disease Stumpf JD, et al., 2013. The variant has allele frequency 0.003% in gnomAD Exomes and is novel not in any individuals in 1000 Genomes. It is submitted to ClinVar as Likely Pathogenic/Uncertain Significace. The amino acid Val at position 1106 is changed to a Ala changing protein sequence and it might alter its composition and physico-chemical properties. The amino acid change p.Val1106Ala in POLG is predicted as conserved by GERP++ and PhyloP across 100 vertebrates. Additional studies are required to prove the pathogenicity of the variant. For these reasons, this variant has been classified as Likely Pathogenic.

Fulgent Genetics
Classification: Uncertain significance for Progressive external ophthalmoplegia with mitochondrial DNA deletions, autosomal dominant 1; Progressive sclerosing poliodystrophy; Progressive external ophthalmoplegia with mitochondrial DNA deletions, autosomal recessive 1; Mitochondrial DNA depletion syndrome 1; Sensory ataxic neuropathy, dysarthria, and ophthalmoparesis; Mitochondrial DNA depletion syndrome 4b. Last evaluated: 2018-10-31. Review status: flagged submission. Criteria: ACMG Guidelines, 2015. Collection method: clinical testing. Allele origin: unknown. Not counted in ClinVar's aggregate classification.
ClinVar note: Reason: Outlier claim with insufficient supporting evidence

Literature cited by the submitters: PubMed 33469851 (cited by Women's Health and Genetics/Laboratory Corporation of America, LabCorp and Labcorp Genetics (formerly Invitae), Labcorp); PubMed 26077851 (cited by 3 submitters); PubMed 15349879 (cited by Labcorp Genetics (formerly Invitae), Labcorp); PubMed 23545419 (cited by Ambry Genetics).